The following is an entry in ClinVar:

NM_175914.5(HNF4A):c.1217-67C>G

Gene: HNF4A (hepatocyte nuclear factor 4 alpha; plus strand). Cytogenetic location: 20q13.12.
Variant type: single nucleotide variant.
Coding change: c.1217-67C>G on transcript NM_175914.5 (MANE Select); 67 bases into the intron before coding-DNA position 1217, C replaced by G.
Molecular consequence: intron variant.
Genome position (GRCh38, 1-based): chr20:44,429,456, C>G. VCF-style: chr20-44429456-C-G. GRCh37 (hg19) VCF-style: chr20-43058096-C-G.
Other names: c.1178-67C>G (NM_001287182.2); c.1187-67C>G (NM_001030003.3); c.1208-67C>G (NM_001287183.2); c.1262-67C>G (NM_001258355.2); c.1253-67C>G (NM_178849.3); c.1283-67C>G (NM_000457.6).
Identifiers: ClinVar variation 676886 (VCV000676886.3), dbSNP rs3746575, ClinGen allele CA14757896.

ClinVar aggregate classification (germline): Benign. Review status: criteria provided, multiple submitters, no conflicts (2 of 4 stars). 3 submissions from 3 submitters: Benign (3). Last evaluated 2018-06-14.

Conditions:
Maturity-onset diabetes of the young (MODY). Also called: Maturity onset diabetes mellitus in young. Identifiers: Orphanet 552, MedGen C0342276, MONDO:0018911, HP:0004904.

Allele frequency attached by ClinVar (database versions not stated): 1000 Genomes Project 0.49880; 1000 Genomes Project 30x 0.50109; TOPMed 0.55808; gnomAD 0.56608 and 0.56796.
gnomAD v4.1: 939,365 of 1,595,626 alleles (59%); highest among the groups gnomAD compares: Middle Eastern, 68%; 279,916 homozygotes.

Submissions (3):

GeneDx
Classification: Benign. Last evaluated: 2018-06-14. Review status: criteria provided, single submitter. Criteria: GeneDx Variant Classification (06012015). Collection method: clinical testing. Allele origin: germline. Affected: yes.
Comment: This variant is considered likely benign or benign based on one or more of the following criteria: it is a conservative change, it occurs at a poorly conserved position in the protein, it is predicted to be benign by multiple in silico algorithms, and/or has population frequency not consistent with disease.

Breakthrough Genomics
Classification: Benign. Review status: criteria provided, single submitter. Criteria: ACMG Guidelines, 2015. Collection method: not provided. Allele origin: germline. Inheritance: Autosomal dominant inheritance. Affected: yes.

Clinical Genomics, Uppaluri K&H Personalized Medicine Clinic
Classification: Benign for Maturity-onset diabetes of the young. Review status: criteria provided, single submitter. Criteria: K & H Uppaluri Personalized Medicine Clinic Variant Classification & Assertion Criteria_Updated V.1. Collection method: research. Allele origin: unknown. Inheritance: Autosomal dominant inheritance.
Comment: Potent mutations in HNF4A are associated with poor insulin secretion in response to hyperglycemia. Associated with MODY1. Patients initially respond well to sulfonylureas but eventually become insulin dependent. However, more evidence is required to ascertain the role of this particular variant rs3746575 in MODY, yet.

Literature cited by the submitters: DOI 10.1159/000334532 (cited by Clinical Genomics, Uppaluri K&H Personalized Medicine Clinic); PubMed 18268044 (cited by Clinical Genomics, Uppaluri K&H Personalized Medicine Clinic); PubMed 17563455 (cited by Clinical Genomics, Uppaluri K&H Personalized Medicine Clinic); PubMed 32583173 (cited by Clinical Genomics, Uppaluri K&H Personalized Medicine Clinic); PubMed 35052457 (cited by Clinical Genomics, Uppaluri K&H Personalized Medicine Clinic); PubMed 35118593 (cited by Clinical Genomics, Uppaluri K&H Personalized Medicine Clinic).